The following is an entry in ClinVar:

ClinVar aggregate classification (germline): Benign (1 of 4 stars; one submission).

Allele frequency attached by ClinVar (database versions not stated): TOPMed 0.10676; 1000 Genomes Project 0.10783; gnomAD 0.10791 and 0.10993; 1000 Genomes Project 30x 0.11040.
gnomAD v4.1: 16,405 of 152,250 alleles (11%); highest among the groups gnomAD compares: African/African-American, 17%; 1,054 homozygotes.

Submission:

GeneDx
Classification: Benign. Last evaluated: 2018-06-14. Review status: criteria provided, single submitter. Criteria: GeneDx Variant Classification (06012015). Collection method: clinical testing. Allele origin: germline. Affected: yes.
Comment: This variant is considered likely benign or benign based on one or more of the following criteria: it is a conservative change, it occurs at a poorly conserved position in the protein, it is predicted to be benign by multiple in silico algorithms, and/or has population frequency not consistent with disease.

NM_000093.5(COL5A1):c.4122+287G>A

Gene: COL5A1 (collagen type V alpha 1 chain; plus strand). Cytogenetic location: 9q34.3.
Variant type: single nucleotide variant.
Coding change: c.4122+287G>A on transcript NM_000093.5 (MANE Select); 287 bases into the intron after coding-DNA position 4122, G replaced by A.
Molecular consequence: intron variant.
Genome position (GRCh38, 1-based): chr9:134,816,275, G>A. VCF-style: chr9-134816275-G-A. GRCh37 (hg19) VCF-style: chr9-137708121-G-A.
Other names: c.4122+287G>A (NM_001278074.1).
Identifiers: ClinVar variation 683386 (VCV000683386.1), dbSNP rs9942862, ClinGen allele CA13040922.